The following is an entry in ClinVar:

ClinVar aggregate classification (germline): Uncertain significance (1 of 4 stars; one submission).

Submission:

Clinical Genomics Laboratory, Washington University in St. Louis
Classification: Uncertain significance. Last evaluated: 2023-11-08. Review status: criteria provided, single submitter. Criteria: ACMG Guidelines, 2015. Collection method: clinical testing. Allele origin: germline.
Comment: The ATP11A c.2660_2662del (p.Phe887del) variant, to our knowledge, has not been reported in the medical literature and is absent from the general population (gnomAD v.2.1.1), indicating it is not a common variant. This variant occurs in an alpha helix domain and is predicted to cause a change in the length of the protein due to an in-frame deletion of a single amino acid in a non-repeat region. Due to limited information, the clinical significance of this variant is uncertain.

NM_015205.3(ATP11A):c.2657TCT[1] (p.Phe887del)

Gene: ATP11A (ATPase phospholipid transporting 11A; plus strand). Cytogenetic location: 13q34.
Variant type: Microsatellite.
Coding change: c.2657TCT[1] on transcript NM_015205.3 (MANE Select); one copy of the 3-base unit TCT starting at c.2657; the reference has two copies in a row; one copy, 3 bases deleted; also written c.2660_2662del.
Protein change: p.Phe887del; deletes phenylalanine 887.
Molecular consequence: inframe deletion.
Genome position (GRCh38, 1-based): chr13:112,858,283-112,858,285, TCT deleted; deleting any 3 consecutive bases within chr13:112,858,278-112,858,285 gives the same sequence; the position shown is the placement nearest the transcript's 3' end. VCF-style (leftmost placement, unchanged base first): chr13-112858277-ACTT-A. GRCh37 (hg19) VCF-style: chr13-113512591-ACTT-A.
Other names: c.2657TCT[1], p.Phe887del (NM_001405661.1, NM_001405662.1, NM_001405663.1 and 1 more transcripts); c.2660_2662del (NM_015205.3); short protein forms F887del.
Identifiers: ClinVar variation 3236552 (VCV003236552.1), dbSNP rs2079992244, ClinGen allele CA2120013894.